The following is an entry in ClinVar:

ClinVar aggregate classification (germline): Uncertain significance. Review status: criteria provided, multiple submitters, no conflicts (2 of 4 stars). 2 submissions from 2 submitters: Uncertain significance (2). Last evaluated 2025-12-28.

Conditions:
ABCC6-related disorder. Also called: ABCC6-related condition.
Autosomal recessive inherited pseudoxanthoma elasticum (PXE). Identifiers: Orphanet 758, MedGen CN032334, MONDO:0009925, OMIM 264800.
Pseudoxanthoma elasticum, forme fruste. Also called: PSEUDOXANTHOMA ELASTICUM, HETEROZYGOUS; Pseudoxanthoma Elasticum, Incomplete. Identifiers: Orphanet 758, MedGen C1867450, MONDO:0008333, OMIM 177850.
Arterial calcification, generalized, of infancy, 2. Identifiers: Orphanet 51608, MedGen C3276161, MONDO:0013768, OMIM 614473.

gnomAD v4.1: 6 of 1,614,036 alleles (0.00037%); highest among the groups gnomAD compares: African/African-American, 0.008%; no homozygotes.

Submissions (2):

PreventionGenetics, part of Exact Sciences
Classification: Uncertain significance for ABCC6-related condition. Last evaluated: 2025-12-28. Review status: criteria provided, single submitter. Criteria: ACMG Guidelines, 2015. Collection method: clinical testing. Allele origin: germline.
Comment: The ABCC6 c.1471A>G variant is predicted to result in the amino acid substitution p.Thr491Ala. To our knowledge, this variant has not been reported in the literature or in a large population database (gnomAD), indicating this variant is rare. At this time, the clinical significance of this variant is uncertain due to the absence of conclusive functional and genetic evidence.

Fulgent Genetics
Classification: Uncertain significance for Pseudoxanthoma elasticum, forme fruste; Autosomal recessive inherited pseudoxanthoma elasticum; Arterial calcification, generalized, of infancy, 2. Last evaluated: 2024-05-15. Review status: criteria provided, single submitter. Criteria: ACMG Guidelines, 2015. Collection method: clinical testing. Allele origin: germline.

NM_001171.6(ABCC6):c.1471A>G (p.Thr491Ala)

Gene: ABCC6 (ATP binding cassette subfamily C member 6; minus strand). Cytogenetic location: 16p13.11.
Variant type: single nucleotide variant.
Coding change: c.1471A>G on transcript NM_001171.6 (MANE Select); coding-DNA position 1471, A replaced by G.
Protein change: p.Thr491Ala; replaces threonine 491 with alanine.
Molecular consequence: missense variant. On other transcripts: non-coding transcript variant (1).
Genome position (GRCh38, 1-based): chr16:16,190,328, T>C on the plus strand (A>G on the coding strand, the complement: ABCC6 is on the minus strand). VCF-style: chr16-16190328-T-C. GRCh37 (hg19) VCF-style: chr16-16284185-T-C.
Other names: c.1471A>G (NM_001171.5); c.1129A>G, p.Thr377Ala (NM_001351800.1); short protein forms T491A, T377A.
Identifiers: ClinVar variation 3578585 (VCV003578585.2).